The following is an entry in ClinVar:

ClinVar aggregate classification (germline): Conflicting classifications of pathogenicity. Review status: criteria provided, conflicting classifications (1 of 4 stars). 6 submissions from 2 submitters: Uncertain significance (5); Likely benign (1). Last evaluated 2025-11-01.

Conditions:
Congenital myasthenic syndrome 16. Identifiers: Orphanet 590, MedGen C3280112, MONDO:0013620, OMIM 614198.
Paramyotonia congenita of Von Eulenburg. Also called: Paramyotonia Congenita; PARALYSIS PERIODICA PARAMYOTONICA; Eulenburg disease; Myotonia congenita intermittens; Von Eulenburg paramyotonia congenita. Identifiers: Orphanet 684, MedGen C0221055, MONDO:0008195, OMIM 168300. Disease mechanism: loss of function.
Hypokalemic periodic paralysis, type 2 (HOKPP2). Identifiers: Orphanet 681, MedGen C2750061, MONDO:0013234, OMIM 613345.
Potassium-aggravated myotonia. Also called: Myotonia congenita, atypical, acetazolamide-responsive; MYOTONIA CONGENITA, ACETAZOLAMIDE-RESPONSIVE; MYOTONIA CONGENITA, ATYPICAL; SODIUM CHANNEL MUSCLE DISEASE. Identifiers: Orphanet 612, Orphanet 99734, Orphanet 99735, Orphanet 99736, MedGen C2931826, MONDO:0018959, OMIM 608390.
Hyperkalemic periodic paralysis. Also called: Familial hyperkalemic periodic paralysis; Gamstorp disease. Identifiers: Orphanet 682, MedGen C0238357, MONDO:0008224, OMIM 170500, HP:0007215.

Allele frequency attached by ClinVar (database versions not stated): gnomAD 0.00006; TOPMed 0.00012.

Submissions (6):

Dasa
Classification: Likely benign for Congenital myasthenic syndrome 16. Last evaluated: 2025-11-01. Review status: criteria provided, single submitter. Criteria: DASA Assertion Criteria. Collection method: clinical testing. Allele origin: germline.
Comment: NM_000334.4(SCN4A):c.*2211C>T is a sequence variant. The variant context is inconsistent with a known disease-causing mechanism. Computational prediction algorithms are consistent with a benign effect. Therefore, based on the currently available evidence, this variant is classified as likely benign.

Illumina Laboratory Services, Illumina
Classification: Uncertain significance for Congenital myasthenic syndrome 16. Last evaluated: 2018-01-13. Review status: criteria provided, single submitter. Criteria: ICSL Variant Classification Criteria 13 December 2019. Collection method: clinical testing. Allele origin: germline.

Illumina Laboratory Services, Illumina
Classification: Uncertain significance for Hypokalemic periodic paralysis, type 2. Last evaluated: 2018-01-13. Review status: criteria provided, single submitter. Criteria: ICSL Variant Classification Criteria 13 December 2019. Collection method: clinical testing. Allele origin: germline.

Illumina Laboratory Services, Illumina
Classification: Uncertain significance for Paramyotonia congenita of Von Eulenburg. Last evaluated: 2018-01-13. Review status: criteria provided, single submitter. Criteria: ICSL Variant Classification Criteria 13 December 2019. Collection method: clinical testing. Allele origin: germline.

Illumina Laboratory Services, Illumina
Classification: Uncertain significance for Potassium-aggravated myotonia. Last evaluated: 2018-01-13. Review status: criteria provided, single submitter. Criteria: ICSL Variant Classification Criteria 13 December 2019. Collection method: clinical testing. Allele origin: germline.

Illumina Laboratory Services, Illumina
Classification: Uncertain significance for Hyperkalemic periodic paralysis. Last evaluated: 2018-01-13. Review status: criteria provided, single submitter. Criteria: ICSL Variant Classification Criteria 13 December 2019. Collection method: clinical testing. Allele origin: germline.

NM_000334.4(SCN4A):c.*2211C>T

Genes: GH-LCR (growth hormone locus control region; plus strand), SCN4A (sodium voltage-gated channel alpha subunit 4; minus strand). Cytogenetic location: 17q23.3.
Variant type: single nucleotide variant.
Coding change: c.*2211C>T on transcript NM_000334.4 (MANE Select); 2211 bases downstream of the stop codon, C replaced by T.
Molecular consequence: 3 prime UTR variant.
Genome position (GRCh38, 1-based): chr17:63,938,560, G>A on the plus strand (C>T on the coding strand, the complement: SCN4A is on the minus strand). VCF-style: chr17-63938560-G-A. GRCh37 (hg19) VCF-style: chr17-62015920-G-A.
Identifiers: ClinVar variation 324463 (VCV000324463.7), dbSNP rs886053237, ClinGen allele CA10650627.